The following is an entry in ClinVar:

ClinVar aggregate classification (germline): Likely benign (1 of 4 stars; one submission).

Allele frequency attached by ClinVar (database versions not stated): 1000 Genomes Project 0.00759; 1000 Genomes Project 30x 0.00765; gnomAD 0.01012 and 0.01017; TOPMed 0.01064.
gnomAD v4.1: 1,537 of 152,302 alleles (1%); highest among the groups gnomAD compares: Middle Eastern, 2%; 16 homozygotes.

Submission:

GeneDx
Classification: Likely benign. Last evaluated: 2018-06-14. Review status: criteria provided, single submitter. Criteria: GeneDx Variant Classification (06012015). Collection method: clinical testing. Allele origin: germline. Affected: yes.
Comment: This variant is considered likely benign or benign based on one or more of the following criteria: it is a conservative change, it occurs at a poorly conserved position in the protein, it is predicted to be benign by multiple in silico algorithms, and/or has population frequency not consistent with disease.

NM_000814.6(GABRB3):c.241-7247G>A

Gene: GABRB3 (gamma-aminobutyric acid type A receptor subunit beta3; minus strand). Cytogenetic location: 15q12.
Variant type: single nucleotide variant.
Coding change: c.241-7247G>A on transcript NM_000814.6 (MANE Select); 7247 bases into the intron before coding-DNA position 241, G replaced by A.
Molecular consequence: intron variant.
Genome position (GRCh38, 1-based): chr15:26,628,781, C>T on the plus strand (G>A on the coding strand, the complement: GABRB3 is on the minus strand). VCF-style: chr15-26628781-C-T. GRCh37 (hg19) VCF-style: chr15-26873928-C-T.
Other names: c.241-7247G>A (NM_021912.5); c.-15-7247G>A (NM_001278631.2, NM_001191320.2); c.27+196G>A (NM_001191321.3).
Identifiers: ClinVar variation 681810 (VCV000681810.1), dbSNP rs117486957, ClinGen allele CA268162418.